The following is an entry in ClinVar:

ClinVar aggregate classification (germline): Uncertain significance (1 of 4 stars; one submission).

Conditions:
Inborn genetic diseases. Identifiers: MedGen C0950123, MeSH D030342.

Submission:

Ambry Genetics
Classification: Uncertain significance for Inborn genetic diseases. Last evaluated: 2025-12-16. Review status: criteria provided, single submitter. Criteria: Ambry Variant Classification Scheme 2023. Collection method: clinical testing. Allele origin: germline.
Comment: The p.L491F variant (also known as c.1471C>T), located in coding exon 4 of the SMAD6 gene, results from a C to T substitution at nucleotide position 1471. The leucine at codon 491 is replaced by phenylalanine, an amino acid with highly similar properties. This amino acid position is conserved. In addition, this alteration is predicted to be deleterious by in silico analysis. Based on the available evidence, the clinical significance of this variant remains unclear.

NM_005585.5(SMAD6):c.1471C>T (p.Leu491Phe)

Gene: SMAD6 (SMAD family member 6; plus strand). Cytogenetic location: 15q22.31.
Variant type: single nucleotide variant.
Coding change: c.1471C>T on transcript NM_005585.5 (MANE Select); coding-DNA position 1471, C replaced by T.
Protein change: p.Leu491Phe; replaces leucine 491 with phenylalanine.
Molecular consequence: missense variant. On other transcripts: non-coding transcript variant (1).
Genome position (GRCh38, 1-based): chr15:66,781,515, C>T. VCF-style: chr15-66781515-C-T. GRCh37 (hg19) VCF-style: chr15-67073853-C-T.
Other names: short protein forms L491F.
Identifiers: ClinVar variation 4843890 (VCV004843890.1).